The following is an entry in ClinVar:

ClinVar aggregate classification (germline): Uncertain significance. Review status: criteria provided, multiple submitters, no conflicts (2 of 4 stars). 6 submissions from 6 submitters: Uncertain significance (5). 1 of the submissions does not count toward it. Last evaluated 2025-08-11.

Conditions:
Hereditary cancer-predisposing syndrome. Also called: Tumor predisposition; Hereditary Cancer Syndrome; Hereditary neoplastic syndrome; Neoplastic Syndromes, Hereditary. Identifiers: Orphanet 140162, MedGen C0027672, MeSH D009386, MONDO:0015356.
Familial melanoma. Also called: Hereditary melanoma; Hereditary cutaneous melanoma. Identifiers: Orphanet 618, MedGen C1512419, MONDO:0018961.
Squamous cell lung carcinoma. Also called: Lung cancer, squamous cell, somatic; Squamous cell carcinoma of lung. Identifiers: MedGen C0149782, MONDO:0005097, HP:0030359.

gnomAD v4.1: 1 of 1,605,636 alleles (0.000062%); highest among the groups gnomAD compares: Non-Finnish European, 0.000085%; no homozygotes.

Submissions (6):

Women's Health and Genetics/Laboratory Corporation of America, LabCorp
Classification: Uncertain significance. Last evaluated: 2025-08-11. Review status: criteria provided, single submitter. Criteria: LabCorp Variant Classification Summary - May 2015. Collection method: clinical testing. Allele origin: germline.
Comment: Variant summary: CDKN2A c.292C>T (p.His98Tyr) results in a conservative amino acid change located in the third of four ankyrin repeats (UniProt) of the encoded protein sequence. The frequency data for this variant in gnomAD is considered unreliable, as metrics indicate poor data quality at this position. To our knowledge, no occurrence of c.292C>T in individuals affected with Cutaneous Malignant Melanoma has been reported. At least one publication reports experimental evidence evaluating an impact on protein function. These results showed no damaging effect of this variant (e.g. Arap_1997, Ruas_1999). The following publications have been ascertained in the context of this evaluation (PMID: 9053859, 27756164, 27960642, 28765326, 9166859, 8552400, 16818274, 18519632, 10498896, 7718873, 8573142). ClinVar contains an entry for this variant (Variation ID: 419560). Based on the evidence outlined above, the variant was classified as uncertain significance.

Ambry Genetics
Classification: Uncertain significance for Hereditary cancer-predisposing syndrome. Last evaluated: 2024-09-06. Review status: criteria provided, single submitter. Criteria: Ambry Variant Classification Scheme 2023. Collection method: clinical testing. Allele origin: germline.
Comment: The p.H98Y variant (also known as c.292C>T), located in coding exon 2 of the CDKN2A gene, results from a C to T substitution at nucleotide position 292. The histidine at codon 98 is replaced by tyrosine, an amino acid with similar properties. Of note, this alteration is also known as c.335C>T (p.A112V)in the p14(ARF) isoform. This alteration has been identified in glioblastoma cell line and functional studies have demonstrated the CDK4/CDK6 binding, growth suppression and effect on cell cycle arrest are similar to wild type (Arap W et al. Oncogene, 1997 Feb;14:603-9; Ruas M et al. Oncogene, 1999 Sep;18:5423-34). This amino acid position is well conserved in available vertebrate species. In addition, the in silico prediction for this alteration is inconclusive. Based on the available evidence, the clinical significance of this variant remains unclear.

Labcorp Genetics (formerly Invitae), Labcorp
Classification: Uncertain significance for Familial melanoma. Last evaluated: 2024-08-12. Review status: criteria provided, single submitter. Criteria: Invitae Variant Classification Sherloc (09022015). Collection method: clinical testing. Allele origin: germline.
Comment: The CDKN2A gene encodes two different proteins, p16INK4a and p14ARF, which are translated from alternative transcripts with different open reading frames. Both transcripts have been analyzed. We report either the variant with the higher classification or default to the CDKN2A (p16INK4a) variant. This report therefore includes the details for the CDKN2A (p16INK4a) variant. This sequence change replaces histidine, which is basic and polar, with tyrosine, which is neutral and polar, at codon 98 of the CDKN2A (p16INK4a) protein (p.His98Tyr). This variant is not present in population databases (gnomAD no frequency). This variant has not been reported in the literature in individuals affected with CDKN2A (p16INK4a)-related conditions. This variant is also known as c.335C>T (p.Ala112Val) in the CDKN2A (p14ARF) transcript. ClinVar contains an entry for this variant (Variation ID: 419560). An algorithm developed to predict the effect of missense changes on protein structure and function (PolyPhen-2) suggests that this variant is likely to be disruptive. Experimental studies have shown that this missense change does not substantially affect CDKN2A (p16INK4a) function (PMID: 9053859, 21462282). In summary, the available evidence is currently insufficient to determine the role of this variant in disease. Therefore, it has been classified as a Variant of Uncertain Significance.

Color Diagnostics, LLC DBA Color Health
Classification: Uncertain significance for Hereditary cancer-predisposing syndrome. Last evaluated: 2018-04-11. Review status: criteria provided, single submitter. Criteria: ACMG Guidelines, 2015. Collection method: clinical testing. Allele origin: germline.

GeneDx
Classification: Uncertain significance. Last evaluated: 2015-07-28. Review status: criteria provided, single submitter. Criteria: GeneDx Variant Classification (06012015). Collection method: clinical testing. Allele origin: germline. Affected: yes.
Comment: This variant is denoted CDKN2A c.292C>T at the cDNA level, p.His98Tyr (H98Y) at the protein level, and results in the change of a Histidine to a Tyrosine (CAC>TAC). This variant is associated with growth suppression, RB phosphorylation, and CDK4 and CDK6 binding similar to wild type (Arap 1997, Ruas 1999, Miller 2011). CDKN2A His98Tyr was not observed in approximately 6,500 individuals of European and African American ancestry in the NHLBI Exome Sequencing Project, indicating it is not a common benign variant in these populations. Since Histidine and Tyrosine differ in polarity, charge, size or other properties, this is considered a non-conservative amino acid substitution. CDKN2A His98Tyr occurs at a position that is conserved in mammals and is located within the ANK3 domain (UniProt). In silico analyses predict that this variant is probably damaging to protein structure and function. Based on currently available information, it is unclear whether CDKN2A His98Tyr is pathogenic or benign. We consider it to be a variant of uncertain significance.

Faculté Pluridciplinaire Nador, Université Mohamed Premier
Classification: Likely pathogenic for Squamous Cell Lung Carcinoma. Last evaluated: 2020-05-05. Review status: no assertion criteria provided. Collection method: clinical testing, in vivo. Allele origin: somatic. Affected: yes. Observed: 1 variant allele. Not counted in ClinVar's aggregate classification.

Literature cited by the submitters: PubMed 10498896 (cited by Women's Health and Genetics/Laboratory Corporation of America, LabCorp and Ambry Genetics); PubMed 9053859 (cited by 3 submitters); PubMed 8552400 (cited by Women's Health and Genetics/Laboratory Corporation of America, LabCorp); PubMed 8573142 (cited by Women's Health and Genetics/Laboratory Corporation of America, LabCorp and Ambry Genetics); PubMed 27756164 (cited by Women's Health and Genetics/Laboratory Corporation of America, LabCorp); PubMed 27960642 (cited by Women's Health and Genetics/Laboratory Corporation of America, LabCorp); PubMed 28765326 (cited by Women's Health and Genetics/Laboratory Corporation of America, LabCorp); PubMed 9166859 (cited by Women's Health and Genetics/Laboratory Corporation of America, LabCorp); PubMed 16818274 (cited by Women's Health and Genetics/Laboratory Corporation of America, LabCorp); PubMed 18519632 (cited by Women's Health and Genetics/Laboratory Corporation of America, LabCorp); PubMed 7718873 (cited by Women's Health and Genetics/Laboratory Corporation of America, LabCorp); PubMed 16354195 (cited by Ambry Genetics); PubMed 21462282 (cited by Ambry Genetics and Labcorp Genetics (formerly Invitae), Labcorp); DOI 10.3389/fonc.2020.01215 (cited by Faculté Pluridciplinaire Nador, Université Mohamed Premier).

NM_000077.5(CDKN2A):c.292C>T (p.His98Tyr)

Gene: CDKN2A (cyclin dependent kinase inhibitor 2A; minus strand). Cytogenetic location: 9p21.3.
Variant type: single nucleotide variant.
Coding change: c.292C>T on transcript NM_000077.5; coding-DNA position 292, C replaced by T.
Protein change: p.His98Tyr; replaces histidine 98 with tyrosine.
Molecular consequence: missense variant (on NM_000077.6). On other transcripts: 3 prime UTR variant (1).
Genome position (GRCh38, 1-based): chr9:21,971,067, G>A on the plus strand (C>T on the coding strand, the complement: CDKN2A is on the minus strand). VCF-style: chr9-21971067-G-A. GRCh37 (hg19) VCF-style: chr9-21971066-G-A.
Other names: c.292C>T, p.His98Tyr (NM_000077.6, NM_001195132.2); c.139C>T, p.His47Tyr (NM_001363763.2); c.335C>T, p.Ala112Val (NM_058195.4); c.*215C>T (NM_058197.5); short protein forms A112V, H98Y, H47Y.
Identifiers: ClinVar variation 419560 (VCV000419560.20), dbSNP rs1064793953, ClinGen allele CA16618827.